The following is an entry in ClinVar:

NM_002444.3(MSN):c.1522C>T (p.Arg508Cys)

Gene: MSN (moesin; plus strand). Cytogenetic location: Xq12.
Variant type: single nucleotide variant.
Coding change: c.1522C>T on transcript NM_002444.3 (MANE Select); coding-DNA position 1522, C replaced by T.
Protein change: p.Arg508Cys; replaces arginine 508 with cysteine.
Molecular consequence: missense variant.
Genome position (GRCh38, 1-based): chrX:65,739,147, C>T. VCF-style: chrX-65739147-C-T. GRCh37 (hg19) VCF-style: chrX-64959009-C-T.
Other names: short protein forms R508C.
Identifiers: ClinVar variation 3661094 (VCV003661094.2).

ClinVar aggregate classification (germline): Uncertain significance (1 of 4 stars; one submission).

Submission:

Labcorp Genetics (formerly Invitae), Labcorp
Classification: Uncertain significance. Last evaluated: 2025-01-13. Review status: criteria provided, single submitter. Criteria: Invitae Variant Classification Sherloc (09022015). Collection method: clinical testing. Allele origin: germline.
Comment: This sequence change replaces arginine, which is basic and polar, with cysteine, which is neutral and slightly polar, at codon 508 of the MSN protein (p.Arg508Cys). This variant is not present in population databases (gnomAD no frequency). This variant has not been reported in the literature in individuals affected with MSN-related conditions. An algorithm developed to predict the effect of missense changes on protein structure and function (PolyPhen-2) suggests that this variant is likely to be disruptive. In summary, the available evidence is currently insufficient to determine the role of this variant in disease. Therefore, it has been classified as a Variant of Uncertain Significance.